The following is an entry in ClinVar:

ClinVar aggregate classification (germline): Uncertain significance. Review status: criteria provided, multiple submitters, no conflicts (2 of 4 stars). 3 submissions from 3 submitters: Uncertain significance (3). Last evaluated 2022-09-13.

Allele frequency attached by ClinVar (database versions not stated): gnomAD exomes below 0.00001 and 0.00002; gnomAD 0.00001 and 0.00002; ExAC 0.00002; TOPMed 0.00002; 1000 Genomes Project 30x 0.00021; 1000 Genomes Project 0.00026.
gnomAD v4.1: 16 of 1,613,760 alleles (0.00099%); highest among the groups gnomAD compares: East Asian, 0.0089%; no homozygotes.

Submissions (3):

Blueprint Genetics
Classification: Uncertain significance. Last evaluated: 2022-09-13. Review status: criteria provided, single submitter. Criteria: ACMG Guidelines, 2015. Collection method: clinical testing. Allele origin: germline.

Women's Health and Genetics/Laboratory Corporation of America, LabCorp
Classification: Uncertain significance. Last evaluated: 2022-07-28. Review status: criteria provided, single submitter. Criteria: LabCorp Variant Classification Summary - May 2015. Collection method: clinical testing. Allele origin: germline.
Comment: Variant summary: SHOX c.199C>T (p.Pro67Ser) results in a non-conservative amino acid change in the encoded protein sequence. Three of five in-silico tools predict a benign effect of the variant on protein function. The variant allele was found at a frequency of 2.4e-05 in 250740 control chromosomes. The available data on variant occurrences in the general population are insufficient to allow any conclusion about variant significance. To our knowledge, no occurrence of c.199C>T in individuals affected with Leri-Weill Dyschondrosteosis and no experimental evidence demonstrating its impact on protein function have been reported. Two clinical diagnostic laboratories have submitted clinical-significance assessments for this variant to ClinVar after 2014 without evidence for independent evaluation. All laboratories classified the variant as uncertain significance. Based on the evidence outlined above, the variant was classified as uncertain significance.

Mendelics
Classification: Uncertain significance. Last evaluated: 2022-05-04. Review status: criteria provided, single submitter. Criteria: Mendelics Assertion Criteria 2019. Collection method: clinical testing. Allele origin: germline.

NM_000451.4(SHOX):c.199C>T (p.Pro67Ser)

Gene: SHOX (SHOX homeobox; plus strand). Cytogenetic location: Xp22.33.
Variant type: single nucleotide variant.
Coding change: c.199C>T on transcript NM_000451.4 (MANE Select); coding-DNA position 199, C replaced by T.
Protein change: p.Pro67Ser; replaces proline 67 with serine.
Molecular consequence: missense variant.
Genome position (GRCh38, 1-based): chrX:631,096, C>T. VCF-style: chrX-631096-C-T. GRCh37 (hg19) VCF-style: chrX-591831-C-T.
Other names: c.199C>T, p.Pro67Ser (NM_006883.2); short protein forms P67S.
Identifiers: ClinVar variation 1224485 (VCV001224485.4), dbSNP rs200663078, ClinGen allele CA10329863.